The following is an entry in ClinVar:

NM_004722.4(AP4M1):c.1259A>G (p.Gln420Arg)

Gene: AP4M1 (adaptor related protein complex 4 subunit mu 1; plus strand). Cytogenetic location: 7q22.1.
Variant type: single nucleotide variant.
Coding change: c.1259A>G on transcript NM_004722.4 (MANE Select); coding-DNA position 1259, A replaced by G.
Protein change: p.Gln420Arg; replaces glutamine 420 with arginine.
Molecular consequence: missense variant.
Genome position (GRCh38, 1-based): chr7:100,106,779, A>G. VCF-style: chr7-100106779-A-G. GRCh37 (hg19) VCF-style: chr7-99704402-A-G.
Other names: c.1280A>G, p.Gln427Arg (NM_001363671.2); short protein forms Q420R, Q427R.
Identifiers: ClinVar variation 3251060 (VCV003251060.18), dbSNP rs2546964192.

ClinVar aggregate classification (germline): Uncertain significance (1 of 4 stars; one submission).

Submission:

CeGaT Center for Human Genetics Tuebingen
Classification: Uncertain significance. Last evaluated: 2024-06-01. Review status: criteria provided, single submitter. Criteria: CeGaT Center For Human Genetics Tuebingen Variant Classification Criteria Version 2. Collection method: clinical testing. Allele origin: germline. Affected: yes. Observed: 1 variant allele.
Comment: AP4M1: PM2